The following is an entry in ClinVar:

NM_006904.7(PRKDC):c.3833C>T (p.Ala1278Val)

Gene: PRKDC (protein kinase, DNA-activated, catalytic subunit; minus strand). Cytogenetic location: 8q11.21.
Variant type: single nucleotide variant.
Coding change: c.3833C>T on transcript NM_006904.7 (MANE Select); coding-DNA position 3833, C replaced by T.
Protein change: p.Ala1278Val; replaces alanine 1278 with valine.
Molecular consequence: missense variant.
Genome position (GRCh38, 1-based): chr8:47,893,153, G>A on the plus strand (C>T on the coding strand, the complement: PRKDC is on the minus strand). VCF-style: chr8-47893153-G-A. GRCh37 (hg19) VCF-style: chr8-48805714-G-A.
Other names: c.3833C>T, p.Ala1278Val (NM_001081640.2); short protein forms A1278V.
Identifiers: ClinVar variation 836097 (VCV000836097.8), dbSNP rs368851152, ClinGen allele CA4741080.

ClinVar aggregate classification (germline): Conflicting classifications of pathogenicity. Review status: criteria provided, conflicting classifications (1 of 4 stars). 2 submissions from 2 submitters: Uncertain significance (1); Likely benign (1). Last evaluated 2024-03-05.

Conditions:
Severe combined immunodeficiency due to DNA-PKcs deficiency. Also called: IMMUNODEFICIENCY 26 WITH NEUROLOGIC ABNORMALITIES; Immunodeficiency 26 with or without neurologic abnormalities. Identifiers: Orphanet 317425, MedGen C4014833, MONDO:0014423, OMIM 615966.

Allele frequency attached by ClinVar (database versions not stated): gnomAD exomes 0.00002; ExAC 0.00003; gnomAD 0.00003 and 0.00004; TOPMed 0.00007; ESP Exome Variant Server 0.00024.
gnomAD v4.1: 22 of 1,602,690 alleles (0.0014%); highest among the groups gnomAD compares: African/African-American, 0.013%; no homozygotes.

Submissions (2):

Blueprint Genetics
Classification: Likely benign. Last evaluated: 2024-03-05. Review status: criteria provided, single submitter. Criteria: ACMG Guidelines, 2015. Collection method: clinical testing. Allele origin: germline.

Labcorp Genetics (formerly Invitae), Labcorp
Classification: Uncertain significance for Severe combined immunodeficiency due to DNA-PKcs deficiency. Last evaluated: 2023-08-04. Review status: criteria provided, single submitter. Criteria: Invitae Variant Classification Sherloc (09022015). Collection method: clinical testing. Allele origin: germline.
Comment: This variant is present in population databases (rs368851152, gnomAD 0.03%). In summary, the available evidence is currently insufficient to determine the role of this variant in disease. Therefore, it has been classified as a Variant of Uncertain Significance. Advanced modeling of protein sequence and biophysical properties (such as structural, functional, and spatial information, amino acid conservation, physicochemical variation, residue mobility, and thermodynamic stability) performed at Invitae indicates that this missense variant is not expected to disrupt PRKDC protein function. ClinVar contains an entry for this variant (Variation ID: 836097). This variant has not been reported in the literature in individuals affected with PRKDC-related conditions. This sequence change replaces alanine, which is neutral and non-polar, with valine, which is neutral and non-polar, at codon 1278 of the PRKDC protein (p.Ala1278Val).